The following is an entry in ClinVar:

NM_002693.3(POLG):c.2322G>C (p.Met774Ile)

Gene: POLG (DNA polymerase gamma, catalytic subunit; minus strand). Cytogenetic location: 15q26.1.
Variant type: single nucleotide variant.
Coding change: c.2322G>C on transcript NM_002693.3 (MANE Select); coding-DNA position 2322, G replaced by C.
Protein change: p.Met774Ile; replaces methionine 774 with isoleucine.
Molecular consequence: missense variant.
Genome position (GRCh38, 1-based): chr15:89,322,846, C>G on the plus strand (G>C on the coding strand, the complement: POLG is on the minus strand). VCF-style: chr15-89322846-C-G. GRCh37 (hg19) VCF-style: chr15-89866077-C-G.
Other names: c.2322G>C, p.Met774Ile (NM_001126131.2); short protein forms M774I.
Identifiers: ClinVar variation 2415516 (VCV002415516.8), dbSNP rs754144065, ClinGen allele CA7724503.

ClinVar aggregate classification (germline): Uncertain significance (1 of 4 stars; one submission).

Conditions:
Progressive sclerosing poliodystrophy (MTDPS4A). Also called: Mitochondrial DNA Depletion Syndrome 4A; Alpers-Huttenlocher Syndrome (AHS); ALPERS PROGRESSIVE INFANTILE POLIODYSTROPHY; NEURONAL DEGENERATION OF CHILDHOOD WITH LIVER DISEASE, PROGRESSIVE; Mitochondrial DNA depletion syndrome 4A (Alpers type); Alpers Syndrome. Identifiers: Orphanet 726, MedGen C0205710, MONDO:0008758, OMIM 203700.

Allele frequency attached by ClinVar (database versions not stated): gnomAD exomes below 0.00001; ExAC 0.00001.
gnomAD v4.1: 1 of 1,614,042 alleles (0.000062%); highest among the groups gnomAD compares: South Asian, 0.0011%; no homozygotes.

Submission:

Labcorp Genetics (formerly Invitae), Labcorp
Classification: Uncertain significance for Progressive sclerosing poliodystrophy. Last evaluated: 2022-06-30. Review status: criteria provided, single submitter. Criteria: Invitae Variant Classification Sherloc (09022015). Collection method: clinical testing. Allele origin: germline.
Comment: In summary, the available evidence is currently insufficient to determine the role of this variant in disease. Therefore, it has been classified as a Variant of Uncertain Significance. Algorithms developed to predict the effect of missense changes on protein structure and function are either unavailable or do not agree on the potential impact of this missense change (SIFT: "Tolerated"; PolyPhen-2: "Probably Damaging"; Align-GVGD: "Class C0"). This variant has not been reported in the literature in individuals affected with POLG-related conditions. This variant is present in population databases (rs754144065, gnomAD 0.003%). This sequence change replaces methionine, which is neutral and non-polar, with isoleucine, which is neutral and non-polar, at codon 774 of the POLG protein (p.Met774Ile).